The following is an entry in ClinVar:

ClinVar aggregate classification (germline): Conflicting classifications of pathogenicity. Review status: criteria provided, conflicting classifications (1 of 4 stars). 4 submissions from 4 submitters: Uncertain significance (1); Likely benign (3). Last evaluated 2024-11-01.

Conditions:
Decreased response to growth hormone stimulation test. Also called: Growth hormone deficiency. Identifiers: MedGen C5539399, HP:0000824.

Allele frequency attached by ClinVar (database versions not stated): gnomAD 0.00018 and 0.00020; gnomAD exomes 0.00021 and 0.00024; TOPMed 0.00021; ExAC 0.00026; 1000 Genomes Project 30x 0.00047; 1000 Genomes Project 0.00060.
gnomAD v4.1: 386 of 1,613,910 alleles (0.024%); highest among the groups gnomAD compares: South Asian, 0.077%; 1 homozygote.

Submissions (4):

CeGaT Center for Human Genetics Tuebingen
Classification: Likely benign. Last evaluated: 2024-11-01. Review status: criteria provided, single submitter. Criteria: CeGaT Center For Human Genetics Tuebingen Variant Classification Criteria Version 2. Collection method: clinical testing. Allele origin: germline. Affected: yes. Observed: 1 variant allele.
Comment: GH1: BP4, BP7

Blueprint Genetics
Classification: Likely benign. Last evaluated: 2024-10-23. Review status: criteria provided, single submitter. Criteria: ACMG Guidelines, 2015. Collection method: clinical testing. Allele origin: germline.

Labcorp Genetics (formerly Invitae), Labcorp
Classification: Likely benign. Last evaluated: 2023-03-27. Review status: criteria provided, single submitter. Criteria: Invitae Variant Classification Sherloc (09022015). Collection method: clinical testing. Allele origin: germline.

Illumina Laboratory Services, Illumina
Classification: Uncertain significance for Growth hormone deficiency. Last evaluated: 2018-01-13. Review status: criteria provided, single submitter. Criteria: ICSL Variant Classification Criteria 13 December 2019. Collection method: clinical testing. Allele origin: germline.

NM_000515.5(GH1):c.546A>G (p.Leu182=)

Genes: GH-LCR (growth hormone locus control region; plus strand), GH1 (growth hormone 1; minus strand). Cytogenetic location: 17q23.3.
Variant type: single nucleotide variant.
Coding change: c.546A>G on transcript NM_000515.5 (MANE Select); coding-DNA position 546, A replaced by G.
Protein change: p.Leu182=; no amino-acid change (leucine 182 retained).
Molecular consequence: synonymous variant.
Genome position (GRCh38, 1-based): chr17:63,917,417, T>C on the plus strand (A>G on the coding strand, the complement: GH1 is on the minus strand). VCF-style: chr17-63917417-T-C. GRCh37 (hg19) VCF-style: chr17-61994777-T-C.
Other names: c.501A>G, p.Leu167= (NM_022559.4); c.426A>G, p.Leu142= (NM_022560.4).
Identifiers: ClinVar variation 703573 (VCV000703573.28), dbSNP rs4080078, ClinGen allele CA8708125.